The following is an entry in ClinVar:

NM_015559.3(SETBP1):c.2825G>A (p.Arg942Gln)

Gene: SETBP1 (SET binding protein 1; plus strand). Cytogenetic location: 18q12.3.
Variant type: single nucleotide variant.
Coding change: c.2825G>A on transcript NM_015559.3 (MANE Select); coding-DNA position 2825, G replaced by A.
Protein change: p.Arg942Gln; replaces arginine 942 with glutamine.
Molecular consequence: missense variant.
Genome position (GRCh38, 1-based): chr18:44,952,165, G>A. VCF-style: chr18-44952165-G-A. GRCh37 (hg19) VCF-style: chr18-42532130-G-A.
Other names: c.2825G>A, p.Arg942Gln (NM_001379141.1, NM_001379142.1, NM_001410862.1); short protein forms R942Q.
Identifiers: ClinVar variation 1917694 (VCV001917694.5), dbSNP rs763904676, ClinGen allele CA8945809.

ClinVar aggregate classification (germline): Uncertain significance (1 of 4 stars; one submission).

Allele frequency attached by ClinVar (database versions not stated): gnomAD exomes below 0.00001; ExAC 0.00001.
gnomAD v4.1: 8 of 1,614,110 alleles (0.0005%); highest among the groups gnomAD compares: Non-Finnish European, 0.00051%; no homozygotes.

Submission:

Labcorp Genetics (formerly Invitae), Labcorp
Classification: Uncertain significance. Last evaluated: 2024-02-27. Review status: criteria provided, single submitter. Criteria: Invitae Variant Classification Sherloc (09022015). Collection method: clinical testing. Allele origin: germline.
Comment: This sequence change replaces arginine, which is basic and polar, with glutamine, which is neutral and polar, at codon 942 of the SETBP1 protein (p.Arg942Gln). This variant is present in population databases (rs763904676, gnomAD 0.006%). This variant has not been reported in the literature in individuals affected with SETBP1-related conditions. ClinVar contains an entry for this variant (Variation ID: 1917694). Advanced modeling of protein sequence and biophysical properties (such as structural, functional, and spatial information, amino acid conservation, physicochemical variation, residue mobility, and thermodynamic stability) performed at Invitae indicates that this missense variant is expected to disrupt SETBP1 protein function with a positive predictive value of 80%. In summary, the available evidence is currently insufficient to determine the role of this variant in disease. Therefore, it has been classified as a Variant of Uncertain Significance.